The following is an entry in ClinVar:

ClinVar aggregate classification (germline): Likely benign. Review status: criteria provided, multiple submitters, no conflicts (2 of 4 stars). 2 submissions from 2 submitters: Likely benign (2). Last evaluated 2026-01-13.

Conditions:
Tuberous sclerosis 2 (TSC2). Identifiers: Orphanet 805, MedGen C1860707, MONDO:0013199, OMIM 613254.

Submissions (2):

Labcorp Genetics (formerly Invitae), Labcorp
Classification: Likely benign for Tuberous sclerosis 2. Last evaluated: 2026-01-13. Review status: criteria provided, single submitter. Criteria: Invitae Variant Classification Sherloc (09022015). Collection method: clinical testing. Allele origin: germline.

Myriad Genetics, Inc.
Classification: Likely benign for Tuberous sclerosis 2. Last evaluated: 2025-05-27. Review status: criteria provided, single submitter. Criteria: Myriad Autosomal Dominant, Autosomal Recessive and X-Linked Classification Criteria (2023). Collection method: clinical testing. Allele origin: unknown.
Comment: This variant is considered likely benign. This variant is intronic and is not expected to impact mRNA splicing.

NM_000548.5(TSC2):c.2837+7C>T

Gene: TSC2 (TSC complex subunit 2; plus strand). Cytogenetic location: 16p13.3.
Variant type: single nucleotide variant.
Coding change: c.2837+7C>T on transcript NM_000548.5 (MANE Select); 7 bases into the intron after coding-DNA position 2837, C replaced by T.
Molecular consequence: intron variant.
Genome position (GRCh38, 1-based): chr16:2,076,592, C>T. VCF-style: chr16-2076592-C-T. GRCh37 (hg19) VCF-style: chr16-2126593-C-T.
Other names: c.1493+7C>T (NM_001406693.1, NM_001406689.1, NM_001406690.1 and 6 more transcripts); c.2927+7C>T (NM_001406667.1, NM_001406668.1); c.2237+7C>T (NM_001406680.1, NM_001406683.1, NM_001406687.1 and 6 more transcripts); c.1235+7C>T (NM_001406698.1); c.2837+7C>T (NM_001114382.3, NM_001406663.1, NM_001406664.1 and 6 more transcripts); c.2825+7C>T (NM_001406671.1, NM_001406673.1); c.2375+7C>T (NM_001406681.1); c.2726+7C>T (NM_001406670.1, NM_001318827.2, NM_001406678.1); and 3 more.
Identifiers: ClinVar variation 4071154 (VCV004071154.2).